The following is an entry in ClinVar:

NM_001271.4(CHD2):c.4165A>C (p.Lys1389Gln)

Gene: CHD2 (chromodomain helicase DNA binding protein 2; plus strand). Cytogenetic location: 15q26.1.
Variant type: single nucleotide variant.
Coding change: c.4165A>C on transcript NM_001271.4 (MANE Select); coding-DNA position 4165, A replaced by C.
Protein change: p.Lys1389Gln; replaces lysine 1389 with glutamine.
Molecular consequence: missense variant.
Genome position (GRCh38, 1-based): chr15:93,002,204, A>C. VCF-style: chr15-93002204-A-C. GRCh37 (hg19) VCF-style: chr15-93545434-A-C.
Other names: short protein forms K1389Q.
Identifiers: ClinVar variation 474390 (VCV000474390.14), dbSNP rs762950368, ClinGen allele CA7748403.

ClinVar aggregate classification (germline): Conflicting classifications of pathogenicity. Review status: criteria provided, conflicting classifications (1 of 4 stars). 3 submissions from 3 submitters: Uncertain significance (1); Likely benign (2). Last evaluated 2025-10-02.

Conditions:
Inborn genetic diseases. Identifiers: MedGen C0950123, MeSH D030342.
Developmental and epileptic encephalopathy 94 (DEE94). Also called: CHD2-Related Neurodevelopmental Disorders; Epileptic encephalopathy, childhood-onset. Identifiers: Orphanet 1942, Orphanet 2382, MedGen C3809278, MONDO:0014150, OMIM 615369.

Allele frequency attached by ClinVar (database versions not stated): ExAC 0.00001; gnomAD 0.00002.
gnomAD v4.1: 11 of 1,586,574 alleles (0.00069%); highest among the groups gnomAD compares: Admixed American, 0.0056%; no homozygotes.

Submissions (3):

Labcorp Genetics (formerly Invitae), Labcorp
Classification: Likely benign for Developmental and epileptic encephalopathy 94. Last evaluated: 2025-10-02. Review status: criteria provided, single submitter. Criteria: Invitae Variant Classification Sherloc (09022015). Collection method: clinical testing. Allele origin: germline.

Blueprint Genetics
Classification: Likely benign. Last evaluated: 2024-10-24. Review status: criteria provided, single submitter. Criteria: ACMG Guidelines, 2015. Collection method: clinical testing. Allele origin: germline.

Ambry Genetics
Classification: Uncertain significance for Inborn genetic diseases. Last evaluated: 2019-03-12. Review status: criteria provided, single submitter. Criteria: Ambry Variant Classification Scheme 2023. Collection method: clinical testing. Allele origin: germline.
Comment: The p.K1389Q variant (also known as c.4165A>C), located in coding exon 32 of the CHD2 gene, results from an A to C substitution at nucleotide position 4165. The lysine at codon 1389 is replaced by glutamine, an amino acid with some similar properties. This amino acid position is highly conserved in available vertebrate species. In addition, this alteration is predicted to be tolerated by in silico analysis. Since supporting evidence is limited at this time, the clinical significance of this alteration remains unclear.